The following is an entry in ClinVar:

ClinVar aggregate classification (germline): Uncertain significance (1 of 4 stars; one submission).

Allele frequency attached by ClinVar (database versions not stated): gnomAD 0.00001; ExAC 0.00002; gnomAD exomes 0.00003 and 0.00006; TOPMed 0.00003.
gnomAD v4.1: 88 of 1,613,638 alleles (0.0055%); highest among the groups gnomAD compares: Middle Eastern, 0.016%; no homozygotes.

Submission:

Labcorp Genetics (formerly Invitae), Labcorp
Classification: Uncertain significance. Last evaluated: 2025-09-24. Review status: criteria provided, single submitter. Criteria: Invitae Variant Classification Sherloc (09022015). Collection method: clinical testing. Allele origin: germline.
Comment: This sequence change replaces arginine, which is basic and polar, with glutamine, which is neutral and polar, at codon 844 of the ARHGEF1 protein (p.Arg844Gln). This variant is present in population databases (rs782226783, gnomAD 0.006%). This variant has not been reported in the literature in individuals affected with ARHGEF1-related conditions. ClinVar contains an entry for this variant (Variation ID: 1060768). An algorithm developed to predict the effect of missense changes on protein structure and function outputs the following: PolyPhen-2: "Benign". The glutamine amino acid residue is found in multiple mammalian species, which suggests that this missense change does not adversely affect protein function. In summary, the available evidence is currently insufficient to determine the role of this variant in disease. Therefore, it has been classified as a Variant of Uncertain Significance.

NM_004706.4(ARHGEF1):c.2486G>A (p.Arg829Gln)

Gene: ARHGEF1 (Rho guanine nucleotide exchange factor 1; plus strand). Cytogenetic location: 19q13.2.
Variant type: single nucleotide variant.
Coding change: c.2486G>A on transcript NM_004706.4 (MANE Select); coding-DNA position 2486, G replaced by A.
Protein change: p.Arg829Gln; replaces arginine 829 with glutamine.
Molecular consequence: missense variant.
Genome position (GRCh38, 1-based): chr19:41,906,020, G>A. VCF-style: chr19-41906020-G-A. GRCh37 (hg19) VCF-style: chr19-42410172-G-A.
Other names: c.2387G>A, p.Arg796Gln (NM_198977.2); c.2531G>A, p.Arg844Gln (NM_199002.2); short protein forms R796Q, R829Q, R844Q.
Identifiers: ClinVar variation 1060768 (VCV001060768.7), dbSNP rs782226783, ClinGen allele CA9466740.